The following continues an entry in ClinVar:

NM_000059.4(BRCA2):c.6267_6269delinsC (p.Glu2089fs)

Gene: BRCA2. ClinVar aggregate classification (germline): Pathogenic. Pathogenic (1).

Submissions 10 to 18 of 18:

PreventionGenetics, part of Exact Sciences
Classification: Pathogenic for BRCA2-related condition. Last evaluated: 2023-07-27. Review status: criteria provided, single submitter. Criteria: ACMG Guidelines, 2015. Collection method: clinical testing. Allele origin: germline. Not counted in ClinVar's aggregate classification.
Comment: The BRCA2 c.6267_6269delinsC variant is predicted to result in a frameshift and premature protein termination (p.Glu2089Aspfs*2). This variant has been reported to be causative for breast cancer (See for example - Vehmanen et al. 1997. PubMed ID: 9150152; Kwiatkowska et al. 2001. PubMed ID: 11139248; Wong-Brown et al. 2015. PubMed ID: 25682074; Susswein et al. 2015. PubMed ID: 26681312, Table S1; Wojcik et al. 2016. PubMed ID: 26843898; Tung et al. 2016. PubMed ID: 26976419). This variant has not been reported in ClinVar or in a large population database, indicating this variant is rare. Frameshift variants in BRCA2 are expected to be pathogenic. This variant is interpreted as pathogenic.

Women's Health and Genetics/Laboratory Corporation of America, LabCorp
Classification: Pathogenic for Hereditary breast and ovarian cancer syndrome. Last evaluated: 2020-12-03. Review status: criteria provided, single submitter. Criteria: LabCorp Variant Classification Summary - May 2015. Collection method: clinical testing. Allele origin: germline. Not counted in ClinVar's aggregate classification.
Comment: Variant summary: BRCA2 c.6267_6269delinsC (p.Glu2089AspfsX2) results in a premature termination codon, predicted to cause a truncation of the encoded protein or absence of the protein due to nonsense mediated decay, which are commonly known mechanisms for disease. Truncations downstream of this position have been classified as pathogenic by our laboratory. The variant was absent in 244786 control chromosomes. c.6267_6269delinsC has been reported in the literature in multiple individuals affected with Hereditary Breast And Ovarian Cancer Syndrome (example, Rebbeck_2018). These data indicate that the variant is very likely to be associated with disease. Eight clinical diagnostic laboratories and one expert panel (ENIGMA) have submitted clinical-significance assessments for this variant to ClinVar after 2014 without evidence for independent evaluation. All submitters classified the variant as pathogenic. Based on the evidence outlined above, the variant was classified as pathogenic.

Institute of Human Genetics, University of Leipzig Medical Center
Classification: Pathogenic for Breast-ovarian cancer, familial, susceptibility to, 2. Last evaluated: 2018-04-16. Review status: criteria provided, single submitter. Criteria: ACMG Guidelines, 2015. Collection method: clinical testing. Allele origin: germline. Affected: yes. Observed: 1 variant allele. Not counted in ClinVar's aggregate classification.

Consortium of Investigators of Modifiers of BRCA1/2 (CIMBA), c/o University of Cambridge
Classification: Pathogenic for Breast-ovarian cancer, familial, susceptibility to, 2. Last evaluated: 2015-10-02. Review status: criteria provided, single submitter. Criteria: CIMBA Mutation Classification guidelines May 2016. Collection method: clinical testing. Allele origin: germline. Not counted in ClinVar's aggregate classification.

BRCAlab, Lund University
Classification: Pathogenic for Breast-ovarian cancer, familial, susceptibility to, 2. Last evaluated: 2020-03-02. Review status: no assertion criteria provided. Collection method: clinical testing. Allele origin: germline. Affected: yes. Not counted in ClinVar's aggregate classification.

German Consortium for Hereditary Breast and Ovarian Cancer, University Hospital Cologne
Classification: Pathogenic for Ovarian neoplasm. Last evaluated: 2018-12-01. Review status: no assertion criteria provided. Collection method: research. Allele origin: germline. Affected: yes. Not counted in ClinVar's aggregate classification.

Sharing Clinical Reports Project (SCRP)
Classification: Pathogenic for Breast-ovarian cancer, familial 2. Last evaluated: 2012-05-01. Review status: no assertion criteria provided. Collection method: clinical testing. Allele origin: germline. Not counted in ClinVar's aggregate classification.

Breast Cancer Information Core (BIC) (BRCA2)
Classification: Pathogenic for Breast-ovarian cancer, familial 2. Last evaluated: 2002-05-29. Review status: no assertion criteria provided. Collection method: clinical testing. Allele origin: germline. Affected: yes. Observed: 2 variant alleles. Not counted in ClinVar's aggregate classification.

Department of Pathology and Laboratory Medicine, Sinai Health System
Classification: Pathogenic for Breast-ovarian cancer, familial, susceptibility to, 2. Review status: no assertion criteria provided. Collection method: clinical testing. Allele origin: unknown. Affected: yes. Study: The Canadian Open Genetics Repository (COGR). Not counted in ClinVar's aggregate classification.
Comment: The BRCA2 p.Glu2089Aspfs*2 variant was identified in 12 of 81348 proband chromosomes (frequency: 0.0002) from individuals or families with breast cancer (Rebbeck 2018, Susswein 2015, Tung 2016, Wojcik 2016, Wong 2015). The variant was also identified in dbSNP (ID: rs276174868) as "With Pathogenic allele", ClinVar (classified as pathogenic by Invitae, Ambry Genetics and seven other submitters), LOVD 3.0 (7x as pathogenic), and in UMD-LSDB (2x as causal). The variant was not identified in the following control databases: the Exome Aggregation Consortium (August 8th 2016), or the Genome Aggregation Database (Feb 27, 2017). The c.6267_6269delinsC variant is predicted to cause a frameshift, which alters the protein's amino acid sequence beginning at codon 2089 and leads to a premature stop codon at position 2090. This alteration is then predicted to result in a truncated or absent protein and loss of function. Loss of function variants of the BRCA2 gene are an established mechanism of disease in BRCA2 associated cancers and is the type of variant expected to cause the disorder. In summary, based on the above information this variant meets our laboratoryâ€šÃ„Ã´s criteria to be classified as pathogenic.

Literature cited by the submitters: PubMed 20104584 (cited by Labcorp Genetics (formerly Invitae), Labcorp and GeneKor MSA); PubMed 9150152 (cited by 6 submitters); PubMed 25682074 (cited by 6 submitters); PubMed 26681312 (cited by 4 submitters); PubMed 26843898 (cited by 6 submitters); PubMed 26976419 (cited by 5 submitters); PubMed 30322717 (cited by 3 submitters); PubMed 11102986 (cited by 3 submitters); PubMed 11139248 (cited by 4 submitters); PubMed 31853058 (cited by Color Diagnostics, LLC DBA Color Health); PubMed 32438681 (cited by Color Diagnostics, LLC DBA Color Health); PubMed 33471991 (cited by 3 submitters); PubMed 35382848 (cited by Color Diagnostics, LLC DBA Color Health and Quest Diagnostics Nichols Institute San Juan Capistrano); PubMed 29164420 (cited by Ambry Genetics); PubMed 29446198 (cited by Ambry Genetics and Women's Health and Genetics/Laboratory Corporation of America, LabCorp); PubMed 11562114 (cited by Quest Diagnostics Nichols Institute San Juan Capistrano); PubMed 11433401 (cited by Quest Diagnostics Nichols Institute San Juan Capistrano).